The following is an entry in ClinVar:

NM_001243279.3(ACSF3):c.-30C>A

Gene: ACSF3 (acyl-CoA synthetase family member 3; plus strand). Cytogenetic location: 16q24.3.
Variant type: single nucleotide variant.
Coding change: c.-30C>A on transcript NM_001243279.3 (MANE Select); 30 bases upstream of the start codon, C replaced by A.
Molecular consequence: 5 prime UTR variant. On other transcripts: non-coding transcript variant (3), intron variant (2).
Genome position (GRCh38, 1-based): chr16:89,098,754, C>A. VCF-style: chr16-89098754-C-A. GRCh37 (hg19) VCF-style: chr16-89165162-C-A.
Other names: c.-30C>A (NM_174917.5); c.-20-1908C>A (NM_001127214.4); c.-129-3850C>A (NM_001284316.2).
Identifiers: ClinVar variation 506787 (VCV000506787.1), dbSNP rs548417953, ClinGen allele CA286441443.
Genomic context (GRCh38, chr16:89,098,754, plus strand): 5'-AGCAGCTGTGCCTGCCGCTCTTGTGAACTGCGAACTTCCCCTTACCTCCTCTCTCTGGCT[C>A]GGGAGCTGGGTGAGTTTGAACTTGGCCTCCTTTGCTTTTCTGTGTGCGAACAAGTGGTTG-3'

ClinVar aggregate classification (germline): Likely benign (1 of 4 stars; one submission).

Allele frequency attached by ClinVar (database versions not stated): TOPMed 0.00004.
gnomAD v4.1: 17 of 454,032 alleles (0.0037%); highest among the groups gnomAD compares: Non-Finnish European, 0.0075%; no homozygotes.

Submission:

GeneDx
Classification: Likely benign. Last evaluated: 2017-01-19. Review status: criteria provided, single submitter. Criteria: GeneDx Variant Classification (06012015). Collection method: clinical testing. Allele origin: germline. Affected: yes.
Comment: This variant is considered likely benign or benign based on one or more of the following criteria: it is a conservative change, it occurs at a poorly conserved position in the protein, it is predicted to be benign by multiple in silico algorithms, and/or has population frequency not consistent with disease.